The following is an entry in ClinVar:

ClinVar aggregate classification (germline): Uncertain significance (1 of 4 stars; one submission).

Allele frequency attached by ClinVar (database versions not stated): gnomAD exomes below 0.00001; TOPMed 0.00001.

Submission:

Labcorp Genetics (formerly Invitae), Labcorp
Classification: Uncertain significance. Last evaluated: 2025-06-12. Review status: criteria provided, single submitter. Criteria: Invitae Variant Classification Sherloc (09022015). Collection method: clinical testing. Allele origin: germline.
Comment: This sequence change replaces proline, which is neutral and non-polar, with serine, which is neutral and polar, at codon 7 of the C3 protein (p.Pro7Ser). This variant is not present in population databases (gnomAD no frequency). This variant has not been reported in the literature in individuals affected with C3-related conditions. ClinVar contains an entry for this variant (Variation ID: 2901144). An algorithm developed to predict the effect of missense changes on protein structure and function outputs the following: PolyPhen-2: "Not Available". The serine amino acid residue is found in multiple mammalian species, which suggests that this missense change does not adversely affect protein function. In summary, the available evidence is currently insufficient to determine the role of this variant in disease. Therefore, it has been classified as a Variant of Uncertain Significance.

NM_000064.4(C3):c.19C>T (p.Pro7Ser)

Gene: C3 (complement C3; minus strand). Cytogenetic location: 19p13.3.
Variant type: single nucleotide variant.
Coding change: c.19C>T on transcript NM_000064.4 (MANE Select); coding-DNA position 19, C replaced by T.
Protein change: p.Pro7Ser; replaces proline 7 with serine.
Molecular consequence: missense variant.
Genome position (GRCh38, 1-based): chr19:6,720,571, G>A on the plus strand (C>T on the coding strand, the complement: C3 is on the minus strand). VCF-style: chr19-6720571-G-A. GRCh37 (hg19) VCF-style: chr19-6720582-G-A.
Other names: short protein forms P7S.
Identifiers: ClinVar variation 2901144 (VCV002901144.3), dbSNP rs998953544, ClinGen allele CA304805651.
Genomic context (GRCh38, chr19:6,720,571, plus strand): 5'-CTCACATGGGACTCCCCAGAGCCAGGGGGAGGTGGGTTAGTAGCAGGAGCAGCAGGCTGG[G>A]ACCTGAGGTGGGTCCCATGGTGCTGGGACAGTGCAGGGTCAGAGGGACAGAGGGACAGAG-3'
Protein context (NP_000055.2, residues 1-17): MGPTSG[Pro7Ser]SLLLLLLTHL